The following is an entry in ClinVar:

ClinVar aggregate classification (germline): Pathogenic (1 of 4 stars; one submission).

Conditions:
Niemann-Pick disease, type C1. Also called: NEUROVISCERAL STORAGE DISEASE WITH VERTICAL SUPRANUCLEAR OPHTHALMOPLEGIA; NIEMANN-PICK DISEASE WITH CHOLESTEROL ESTERIFICATION BLOCK; NIEMANN-PICK DISEASE WITHOUT SPHINGOMYELINASE DEFICIENCY; NIEMANN-PICK DISEASE, CHRONIC NEURONOPATHIC FORM; NIEMANN-PICK DISEASE, VARIANT TYPE C1. Identifiers: Orphanet 646, MedGen C3179455, MONDO:0009757, OMIM 257220.

Submission:

Labcorp Genetics (formerly Invitae), Labcorp
Classification: Pathogenic for Niemann-Pick disease, type C1. Last evaluated: 2023-09-20. Review status: criteria provided, single submitter. Criteria: Invitae Variant Classification Sherloc (09022015). Collection method: clinical testing. Allele origin: germline.
Comment: This sequence change creates a premature translational stop signal (p.Leu829Cysfs*2) in the NPC1 gene. It is expected to result in an absent or disrupted protein product. Loss-of-function variants in NPC1 are known to be pathogenic (PMID: 9211850). This variant is not present in population databases (gnomAD no frequency). For these reasons, this variant has been classified as Pathogenic. This variant has not been reported in the literature in individuals affected with NPC1-related conditions.

Literature cited by the submitters: PubMed 9211850.

NM_000271.5(NPC1):c.2485del (p.Leu829fs)

Gene: NPC1 (NPC intracellular cholesterol transporter 1; minus strand). Cytogenetic location: 18q11.2.
Variant type: Deletion.
Coding change: c.2485del on transcript NM_000271.5 (MANE Select); coding-DNA position 2485, one base deleted (C; older notation c.2485delC).
Protein change: p.Leu829fs; shifts the reading frame from leucine 829.
Molecular consequence: frameshift variant.
Genome position (GRCh38, 1-based): chr18:23,541,097, G deleted on the plus strand (C on the coding strand, the reverse complement: NPC1 is on the minus strand). VCF-style (leftmost placement, unchanged base first): chr18-23541096-AG-A. GRCh37 (hg19) VCF-style: chr18-21121060-AG-A.
Other names: short protein forms L829fs.
Identifiers: ClinVar variation 2762172 (VCV002762172.3), dbSNP rs2511220896, ClinGen allele CA2697555337.